The following is an entry in ClinVar:

NM_004055.5(CAPN5):c.581C>G (p.Ser194Cys)

Gene: CAPN5 (calpain 5; plus strand). Cytogenetic location: 11q13.5.
Variant type: single nucleotide variant.
Coding change: c.581C>G on transcript NM_004055.5 (MANE Select); coding-DNA position 581, C replaced by G.
Protein change: p.Ser194Cys; replaces serine 194 with cysteine.
Molecular consequence: missense variant.
Genome position (GRCh38, 1-based): chr11:77,114,316, C>G. VCF-style: chr11-77114316-C-G. GRCh37 (hg19) VCF-style: chr11-76825362-C-G.
Other names: short protein forms S194C.
Identifiers: ClinVar variation 2117003 (VCV002117003.4), dbSNP rs2496283844, ClinGen allele CA381937884.

ClinVar aggregate classification (germline): Uncertain significance (1 of 4 stars; one submission).

Submission:

Labcorp Genetics (formerly Invitae), Labcorp
Classification: Uncertain significance. Last evaluated: 2022-03-26. Review status: criteria provided, single submitter. Criteria: Invitae Variant Classification Sherloc (09022015). Collection method: clinical testing. Allele origin: germline.
Comment: This variant is not present in population databases (gnomAD no frequency). This sequence change replaces serine, which is neutral and polar, with cysteine, which is neutral and slightly polar, at codon 194 of the CAPN5 protein (p.Ser194Cys). This variant has not been reported in the literature in individuals affected with CAPN5-related conditions. In summary, the available evidence is currently insufficient to determine the role of this variant in disease. Therefore, it has been classified as a Variant of Uncertain Significance. Algorithms developed to predict the effect of missense changes on protein structure and function are either unavailable or do not agree on the potential impact of this missense change (SIFT: "Deleterious"; PolyPhen-2: "Probably Damaging"; Align-GVGD: "Class C0").